The following is an entry in ClinVar:

NM_005591.4(MRE11):c.624C>T (p.Asn208=)

Gene: MRE11 (MRE11 double strand break repair nuclease; minus strand). Cytogenetic location: 11q21.
Variant type: single nucleotide variant.
Coding change: c.624C>T on transcript NM_005591.4 (MANE Select); coding-DNA position 624, C replaced by T.
Protein change: p.Asn208=; no amino-acid change (asparagine 208 retained).
Molecular consequence: synonymous variant.
Genome position (GRCh38, 1-based): chr11:94,476,324, G>A on the plus strand (C>T on the coding strand, the complement: MRE11 is on the minus strand). VCF-style: chr11-94476324-G-A. GRCh37 (hg19) VCF-style: chr11-94209490-G-A.
Other names: c.624C>T, p.Asn208= (NM_001330347.2, NM_005590.4).
Identifiers: ClinVar variation 826267 (VCV000826267.5), dbSNP rs1238614630, ClinGen allele CA476286745.

ClinVar aggregate classification (germline): Conflicting classifications of pathogenicity. Review status: criteria provided, conflicting classifications (1 of 4 stars). 2 submissions from 2 submitters: Uncertain significance (1); Likely benign (1). Last evaluated 2024-10-16.

Conditions:
Hereditary cancer-predisposing syndrome. Also called: Neoplastic Syndromes, Hereditary; Tumor predisposition; Hereditary neoplastic syndrome; Hereditary Cancer Syndrome. Identifiers: Orphanet 140162, MedGen C0027672, MeSH D009386, MONDO:0015356.

Allele frequency attached by ClinVar (database versions not stated): TOPMed below 0.00001.
gnomAD v4.1: 2 of 1,613,236 alleles (0.00012%); highest among the groups gnomAD compares: Non-Finnish European, 0.00017%; no homozygotes.

Submissions (2):

Quest Diagnostics Nichols Institute San Juan Capistrano
Classification: Uncertain significance. Last evaluated: 2024-10-16. Review status: criteria provided, single submitter. Criteria: Quest Diagnostics criteria. Collection method: clinical testing. Allele origin: unknown.
Comment: The MRE11 c.624C>T (p.Asn208=) synonymous variant has not been reported in individuals with MRE11-related conditions in the published literature. It also has not been reported in large, multi-ethnic general populations (Genome Aggregation Database). Analysis of this variant using software algorithms for the prediction of the effect of nucleotide changes on splicing yielded predictions that this variant does not affect MRE11 mRNA splicing. Based on the available information, we are unable to determine the clinical significance of this variant.

Ambry Genetics
Classification: Likely benign for Hereditary cancer-predisposing syndrome. Last evaluated: 2019-12-18. Review status: criteria provided, single submitter. Criteria: Ambry Variant Classification Scheme 2023. Collection method: clinical testing. Allele origin: germline.